The following is an entry in ClinVar:

ClinVar aggregate classification (germline): Uncertain significance. Review status: criteria provided, multiple submitters, no conflicts (2 of 4 stars). 2 submissions from 2 submitters: Uncertain significance (2). Last evaluated 2022-08-16.

Conditions:
Fanconi anemia (FA). Also called: Fanconi's anemia. Identifiers: Orphanet 84, MedGen C0015625, MeSH D005199, MONDO:0019391.
VACTERL association, X-linked, with or without hydrocephalus (VACTERLX). Also called: VACTERL Association with Hydrocephalus, X-linked; X-linked VACTERL-H syndrome; VACTERL ASSOCIATION, X-LINKED; VACTERL-H, X-LINKED. Identifiers: Orphanet 3412, MedGen C2931228, MONDO:0010752, OMIM 314390.
Fanconi anemia complementation group B (FANCB). Also called: FANCB-Related Fanconi Anemia; FANCONI PANCYTOPENIA, TYPE 2. Identifiers: Orphanet 84, MedGen C1845292, MONDO:0010351, OMIM 300514.

Submissions (2):

Labcorp Genetics (formerly Invitae), Labcorp
Classification: Uncertain significance for Fanconi anemia. Last evaluated: 2022-08-16. Review status: criteria provided, single submitter. Criteria: Invitae Variant Classification Sherloc (09022015). Collection method: clinical testing. Allele origin: germline.
Comment: This sequence change replaces asparagine, which is neutral and polar, with lysine, which is basic and polar, at codon 102 of the FANCB protein (p.Asn102Lys). This variant is not present in population databases (gnomAD no frequency). This variant has not been reported in the literature in individuals affected with FANCB-related conditions. ClinVar contains an entry for this variant (Variation ID: 1468716). Algorithms developed to predict the effect of missense changes on protein structure and function output the following: SIFT: "Tolerated"; PolyPhen-2: "Benign"; Align-GVGD: "Class C0". The lysine amino acid residue is found in multiple mammalian species, which suggests that this missense change does not adversely affect protein function. In summary, the available evidence is currently insufficient to determine the role of this variant in disease. Therefore, it has been classified as a Variant of Uncertain Significance.

Fulgent Genetics
Classification: Uncertain significance for Fanconi anemia complementation group B; VACTERL association, X-linked, with or without hydrocephalus. Last evaluated: 2021-07-06. Review status: criteria provided, single submitter. Criteria: ACMG Guidelines, 2015. Collection method: clinical testing. Allele origin: unknown.

NM_001018113.3(FANCB):c.306T>A (p.Asn102Lys)

Gene: FANCB (FA complementation group B; minus strand). Cytogenetic location: Xp22.2.
Variant type: single nucleotide variant.
Coding change: c.306T>A on transcript NM_001018113.3 (MANE Select); coding-DNA position 306, T replaced by A.
Protein change: p.Asn102Lys; replaces asparagine 102 with lysine.
Molecular consequence: missense variant. On other transcripts: non-coding transcript variant (1).
Genome position (GRCh38, 1-based): chrX:14,865,205, A>T on the plus strand (T>A on the coding strand, the complement: FANCB is on the minus strand). VCF-style: chrX-14865205-A-T. GRCh37 (hg19) VCF-style: chrX-14883327-A-T.
Other names: c.306T>A, p.Asn102Lys (NM_001324162.2, NM_152633.4); short protein forms N102K.
Identifiers: ClinVar variation 1468716 (VCV001468716.4), dbSNP rs2147447239, ClinGen allele CA412444809.